The following is an entry in ClinVar:

ClinVar aggregate classification (germline): Uncertain significance (1 of 4 stars; one submission).

Conditions:
Familial hemophagocytic lymphohistiocytosis 4 (FHL4). Also called: STX11-Related Familial Hemophagocytic Lymphohistiocytosis (STX11-fHLH). Identifiers: Orphanet 540, MedGen C1863728, MONDO:0011336, OMIM 603552.

Allele frequency attached by ClinVar (database versions not stated): TOPMed 0.00001.

Submission:

Labcorp Genetics (formerly Invitae), Labcorp
Classification: Uncertain significance for Familial hemophagocytic lymphohistiocytosis 4. Last evaluated: 2021-08-30. Review status: criteria provided, single submitter. Criteria: Invitae Variant Classification Sherloc (09022015). Collection method: clinical testing. Allele origin: germline.
Comment: This sequence change replaces leucine with proline at codon 135 of the STX11 protein (p.Leu135Pro). The leucine residue is highly conserved and there is a moderate physicochemical difference between leucine and proline. This variant is not present in population databases (ExAC no frequency). This variant has not been reported in the literature in individuals affected with STX11-related conditions. Algorithms developed to predict the effect of missense changes on protein structure and function are either unavailable or do not agree on the potential impact of this missense change (SIFT: "Deleterious"; PolyPhen-2: "Probably Damaging"; Align-GVGD: "Class C0"). In summary, the available evidence is currently insufficient to determine the role of this variant in disease. Therefore, it has been classified as a Variant of Uncertain Significance.

NM_003764.4(STX11):c.404T>C (p.Leu135Pro)

Gene: STX11 (syntaxin 11; plus strand). Cytogenetic location: 6q24.2.
Variant type: single nucleotide variant.
Coding change: c.404T>C on transcript NM_003764.4 (MANE Select); coding-DNA position 404, T replaced by C.
Protein change: p.Leu135Pro; replaces leucine 135 with proline.
Molecular consequence: missense variant.
Genome position (GRCh38, 1-based): chr6:144,187,031, T>C. VCF-style: chr6-144187031-T-C. GRCh37 (hg19) VCF-style: chr6-144508168-T-C.
Other names: short protein forms L135P.
Identifiers: ClinVar variation 1042550 (VCV001042550.6), dbSNP rs759002869, ClinGen allele CA365949163.